The following is an entry in ClinVar:

ClinVar aggregate classification (germline): Uncertain significance (1 of 4 stars; one submission).

Conditions:
Cardiovascular phenotype. Identifiers: MedGen CN230736.

gnomAD v4.1: 5 of 1,614,038 alleles (0.00031%); highest among the groups gnomAD compares: Admixed American, 0.005%; no homozygotes.

Submission:

Ambry Genetics
Classification: Uncertain significance for Cardiovascular phenotype. Last evaluated: 2026-04-30. Review status: criteria provided, single submitter. Criteria: Ambry Variant Classification Scheme 2023. Collection method: clinical testing. Allele origin: germline.
Comment: The p.Q795E variant (also known as c.2383C>G), located in coding exon 6 of the ALPK3 gene, results from a C to G substitution at nucleotide position 2383. The glutamine at codon 795 is replaced by glutamic acid, an amino acid with highly similar properties. This amino acid position is conserved. In addition, this alteration is predicted to be tolerated by in silico analysis. Based on the available evidence, the clinical significance of this variant remains unclear.

NM_020778.5(ALPK3):c.1777C>G (p.Gln593Glu)

Gene: ALPK3 (alpha kinase 3; plus strand). Cytogenetic location: 15q25.3.
Variant type: single nucleotide variant.
Coding change: c.1777C>G on transcript NM_020778.5 (MANE Select); coding-DNA position 1777, C replaced by G.
Protein change: p.Gln593Glu; replaces glutamine 593 with glutamic acid.
Molecular consequence: missense variant.
Genome position (GRCh38, 1-based): chr15:84,856,515, C>G. VCF-style: chr15-84856515-C-G. GRCh37 (hg19) VCF-style: chr15-85399746-C-G.
Other names: short protein forms Q593E.
Identifiers: ClinVar variation 4871263 (VCV004871263.1).